The following is an entry in ClinVar:

NM_001378454.1(ALMS1):c.4024_4025delinsAG (p.Val1342Ser)

Gene: ALMS1 (ALMS1 centrosome and basal body associated protein; plus strand). Cytogenetic location: 2p13.1.
Variant type: Indel.
Coding change: c.4024_4025delinsAG on transcript NM_001378454.1 (MANE Select); coding-DNA positions 4024 to 4025, GT replaced by AG.
Protein change: p.Val1342Ser; replaces valine 1342 with serine.
Molecular consequence: missense variant.
Genome position (GRCh38, 1-based): chr2:73,450,551-73,450,552, GT replaced by AG. VCF-style: chr2-73450551-GT-AG. GRCh37 (hg19) VCF-style: chr2-73677678-GT-AG.
Other names: c.4027_4028delinsAG, p.Val1343Ser (NM_015120.4); c.4027_4028delGTinsAG (NM_015120.4); short protein forms V1342S, V1343S.
Identifiers: ClinVar variation 4613480 (VCV004613480.1).

ClinVar aggregate classification (germline): Uncertain significance (1 of 4 stars; one submission).

Conditions:
Cardiovascular phenotype. Identifiers: MedGen CN230736.

Submission:

Ambry Genetics
Classification: Uncertain significance for Cardiovascular phenotype. Last evaluated: 2025-12-11. Review status: criteria provided, single submitter. Criteria: Ambry Variant Classification Scheme 2023. Collection method: clinical testing. Allele origin: germline.
Comment: The c.4027_4028delGTinsAG variant, located in coding exon 8 of the ALMS1 gene, results from an in-frame deletion of GT and insertion of AG at nucleotide positions 4027 to 4028. This results in the substitution of the valine residue for a serine residue at codon 1343, an amino acid with dissimilar properties. This amino acid position is poorly conserved in available vertebrate species. In addition, this variant is predicted to be neutral by in silico analysis (Choi Y et al. PLoS ONE. 2012; 7(10):e46688). Based on the available evidence, the clinical significance of this variant remains unclear.